The following is an entry in ClinVar:

ClinVar aggregate classification (germline): Pathogenic (1 of 4 stars; one submission).

Conditions:
Gorlin syndrome. Also called: Nevoid Basal Cell Carcinoma Syndrome; Basal cell nevus syndrome. Identifiers: Orphanet 377, MedGen C0004779, MONDO:0007187.

Submission:

Labcorp Genetics (formerly Invitae), Labcorp
Classification: Pathogenic for Gorlin syndrome. Last evaluated: 2016-11-10. Review status: criteria provided, single submitter. Criteria: Invitae Variant Classification Sherloc (09022015). Collection method: clinical testing. Allele origin: germline.
Comment: This variant is a gross deletion of the genomic region encompassing exons 13-15 of the PTCH1 gene. This creates a premature translational stop signal and is expected to result in an absent or disrupted protein product. Loss-of-function variants in PTCH1 are known to be pathogenic. A deletion of exons 13-15 has been reported in an individual with Gorlin Syndrome (PMID: 22382802). For these reasons, this variant has been classified as Pathogenic.

NC_000009.12:g.(?_95467116)_(95469931_?)del

Genes: PTCH1 (patched 1; minus strand), LOC100507346 (uncharacterized LOC100507346; plus strand). Cytogenetic location: 9q22.32.
Variant type: Deletion.
Identifiers: ClinVar variation 417458 (VCV000417458.1).